The following is an entry in ClinVar:

ClinVar aggregate classification (germline): Uncertain significance (1 of 4 stars; one submission).

Conditions:
CAV3-related disorder. Also called: CAV3-related condition.

Submission:

PreventionGenetics, part of Exact Sciences
Classification: Uncertain significance for CAV3-related condition. Last evaluated: 2024-12-05. Review status: criteria provided, single submitter. Criteria: ACMG Guidelines, 2015. Collection method: clinical testing. Allele origin: germline.
Comment: The CAV3 c.205A>C variant is predicted to result in the amino acid substitution p.Lys69Gln. To our knowledge, this variant has not been reported in the literature or in a large population database (gnomAD), indicating this variant is rare. At this time, the clinical significance of this variant is uncertain due to the absence of conclusive functional and genetic evidence.

NM_033337.3(CAV3):c.205A>C (p.Lys69Gln)

Genes: CAV3 (caveolin 3; plus strand), OXTR (oxytocin receptor; minus strand). Cytogenetic location: 3p25.3.
Variant type: single nucleotide variant.
Coding change: c.205A>C on transcript NM_033337.3 (MANE Select); coding-DNA position 205, A replaced by C.
Protein change: p.Lys69Gln; replaces lysine 69 with glutamine.
Molecular consequence: missense variant.
Genome position (GRCh38, 1-based): chr3:8,745,616, A>C. VCF-style: chr3-8745616-A-C. GRCh37 (hg19) VCF-style: chr3-8787302-A-C.
Other names: c.205A>C, p.Lys69Gln (NM_001234.5); short protein forms K69Q.
Identifiers: ClinVar variation 4987046 (VCV004987046.1).
Genomic context (GRCh38, chr3:8,745,616, plus strand): 5'-GTGGGCACCTACAGCTTTGACGGCGTGTGGAAGGTGAGCTACACCACCTTCACTGTCTCC[A>C]AGTACTGGTGCTACCGTCTGTTGTCCACGCTGCTGGGCGTCCCACTGGCCCTGCTCTGGG-3'
Protein context (NP_203123.1, residues 59-79): KVSYTTFTVS[Lys69Gln]YWCYRLLSTL